The following is an entry in ClinVar:

NM_000551.4(VHL):c.340+633del

Genes: VHL (von Hippel-Lindau tumor suppressor; plus strand), LOC107303340 (3p25 von Hippel-Lindau tumor suppressor, E3 ubiquitin protein ligase Alu-mediated recombination region; plus strand). Cytogenetic location: 3p25.3.
Variant type: Deletion.
Coding change: c.340+633del on transcript NM_000551.4 (MANE Select); 633 bases into the intron after coding-DNA position 340, one base deleted (T; older notation c.340+633delT).
Molecular consequence: intron variant. On other transcripts: frameshift variant (1).
Genome position (GRCh38, 1-based): chr3:10,142,820, T deleted; the last of 2 consecutive T bases (chr3:10,142,819-10,142,820); deleting either gives the same sequence. VCF-style (leftmost placement, unchanged base first): chr3-10142818-AT-A. GRCh37 (hg19) VCF-style: chr3-10184502-AT-A.
Other names: c.398del, p.Phe133fs (NM_001354723.2); c.340+633del (NM_198156.3); short protein forms F133fs.
Identifiers: ClinVar variation 1405595 (VCV001405595.6), dbSNP rs2125125902, ClinGen allele CA2573136102.

ClinVar aggregate classification (germline): Uncertain significance (1 of 4 stars; one submission).

Conditions:
Chuvash polycythemia. Also called: POLYCYTHEMIA, VHL-DEPENDENT. Identifiers: Orphanet 238557, MedGen C1837915, MONDO:0009892, OMIM 263400.
Von Hippel-Lindau syndrome (VHLS). Also called: von Hippel–Lindau syndrome; Von Hippel-Lindau; VHL syndrome. Identifiers: Orphanet 892, MedGen C0019562, MONDO:0008667, OMIM 193300. Disease mechanism: loss of function.

Submission:

Labcorp Genetics (formerly Invitae), Labcorp
Classification: Uncertain significance for Von Hippel-Lindau syndrome; Chuvash polycythemia. Last evaluated: 2021-07-14. Review status: criteria provided, single submitter. Criteria: Invitae Variant Classification Sherloc (09022015). Collection method: clinical testing. Allele origin: germline.
Comment: In summary, the available evidence is currently insufficient to determine the role of this variant in disease. Therefore, it has been classified as a Variant of Uncertain Significance. Experimental studies and prediction algorithms are not available or were not evaluated, and the functional significance of this variant is currently unknown. This variant has not been reported in the literature in individuals affected with VHL-related conditions. The frequency data for this variant in the population databases is considered unreliable, as metrics indicate insufficient coverage at this position in the ExAC database. This sequence change falls in intron 1 of the VHL gene. It is not expected to change the encoded amino acid sequence of the VHL protein. However, this sequence change falls within a cryptic exon in the VHL gene, known as exon E1’, which is naturally expressed at low levels in several human tissues (PMID: 29891534).

Literature cited by the submitters: PubMed 29891534.